The following is an entry in ClinVar:

NM_024426.6(WT1):c.382G>A (p.Ala128Thr)

Genes: WT1 (WT1 transcription factor; minus strand), LOC107982234 (WT1/WT1-AS bi-directional promoter region; plus strand). Cytogenetic location: 11p13.
Variant type: single nucleotide variant.
Coding change: c.382G>A on transcript NM_024426.6 (MANE Select); coding-DNA position 382, G replaced by A.
Protein change: p.Ala128Thr; replaces alanine 128 with threonine.
Molecular consequence: missense variant. On other transcripts: non-coding transcript variant (1).
Genome position (GRCh38, 1-based): chr11:32,434,979, C>T on the plus strand (G>A on the coding strand, the complement: WT1 is on the minus strand). VCF-style: chr11-32434979-C-T. GRCh37 (hg19) VCF-style: chr11-32456525-C-T.
Other names: c.382G>A, p.Ala128Thr (NM_000378.6, NM_024424.5); short protein forms A128T.
Identifiers: ClinVar variation 864016 (VCV000864016.12), dbSNP rs1853454136, ClinGen allele CA379965808.

ClinVar aggregate classification (germline): Uncertain significance. Review status: criteria provided, multiple submitters, no conflicts (2 of 4 stars). 3 submissions from 3 submitters: Uncertain significance (3). Last evaluated 2025-06-14.

Conditions:
Drash syndrome (DDS). Also called: WILMS TUMOR AND PSEUDO- OR TRUE HERMAPHRODITISM; NEPHROPATHY, WILMS TUMOR, AND GENITAL ANOMALIES. Identifiers: Orphanet 220, MedGen C0950121, MONDO:0008682, OMIM 194080.
Frasier syndrome. Identifiers: Orphanet 347, MedGen C0950122, MeSH D052159, MONDO:0007635, OMIM 136680.
Wilms tumor 1 (WT1). Also called: Wilms tumor, somatic. Identifiers: Orphanet 654, MedGen CN033288, MONDO:0008679, OMIM 194070.
11p partial monosomy syndrome (WAGR). Also called: CHROMOSOME 11p13 DELETION SYNDROME; WAGR Complex; WAGR syndrome; WAGR Spectrum Disorder. Identifiers: Orphanet 893, MedGen C0206115, MONDO:0008681, OMIM 194072.
Inborn genetic diseases. Identifiers: MedGen C0950123, MeSH D030342.

Submissions (3):

Ambry Genetics
Classification: Uncertain significance for Inborn genetic diseases. Last evaluated: 2025-06-14. Review status: criteria provided, single submitter. Criteria: Ambry Variant Classification Scheme 2023. Collection method: clinical testing. Allele origin: germline.
Comment: The p.A123T variant (also known as c.367G>A), located in coding exon 1 of the WT1 gene, results from a G to A substitution at nucleotide position 367. The alanine at codon 123 is replaced by threonine, an amino acid with similar properties. This amino acid position is conserved. In addition, this alteration is predicted to be tolerated by in silico analysis. Based on the available evidence, the clinical significance of this variant remains unclear.

Labcorp Genetics (formerly Invitae), Labcorp
Classification: Uncertain significance for Wilms tumor 1; Drash syndrome; 11p partial monosomy syndrome; Frasier syndrome. Last evaluated: 2024-06-18. Review status: criteria provided, single submitter. Criteria: Invitae Variant Classification Sherloc (09022015). Collection method: clinical testing. Allele origin: germline.
Comment: This sequence change replaces alanine, which is neutral and non-polar, with threonine, which is neutral and polar, at codon 123 of the WT1 protein (p.Ala123Thr). This variant is not present in population databases (gnomAD no frequency). This variant has not been reported in the literature in individuals affected with WT1-related conditions. ClinVar contains an entry for this variant (Variation ID: 864016). An algorithm developed to predict the effect of missense changes on protein structure and function (PolyPhen-2) suggests that this variant is likely to be disruptive. In summary, the available evidence is currently insufficient to determine the role of this variant in disease. Therefore, it has been classified as a Variant of Uncertain Significance.

All of Us Research Program, National Institutes of Health
Classification: Uncertain significance for Wilms tumor 1. Last evaluated: 2023-08-15. Review status: criteria provided, single submitter. Criteria: ACMG Guidelines, 2015. Collection method: clinical testing. Allele origin: germline. Inheritance: Autosomal dominant inheritance. Observed: 1 variant allele, 1 heterozygote.
Comment: This study involves interpretation of variants in research participants for the purpose of population health screening. Participant phenotype was not available at the time of variant classification. Additional details can be found in publication PMID: 35346344, PMCID: PMC8962531